The following is an entry in ClinVar:

ClinVar aggregate classification (germline): Likely benign. Review status: criteria provided, multiple submitters, no conflicts (2 of 4 stars). 2 submissions from 2 submitters: Likely benign (2). Last evaluated 2025-05-22.

Conditions:
GNAS-related disorder. Identifiers: MedGen CN380105.

gnomAD v4.1: 12 of 1,614,004 alleles (0.00074%); highest among the groups gnomAD compares: Admixed American, 0.0017%; no homozygotes.

Submissions (2):

PreventionGenetics, part of Exact Sciences
Classification: Likely benign for GNAS-related condition. Last evaluated: 2025-05-22. Review status: criteria provided, single submitter. Criteria: ACMG Guidelines, 2015. Collection method: clinical testing. Allele origin: germline.
Comment: This variant is classified as likely benign based on ACMG/AMP sequence variant interpretation guidelines (Richards et al. 2015 PMID: 25741868, with internal and published modifications).

Blueprint Genetics
Classification: Likely benign. Last evaluated: 2022-11-21. Review status: criteria provided, single submitter. Criteria: ACMG Guidelines, 2015. Collection method: clinical testing. Allele origin: germline.

NM_000516.7(GNAS):c.295C>T (p.Leu99=)

Gene: GNAS (GNAS complex locus; plus strand). Cytogenetic location: 20q13.32.
Variant type: single nucleotide variant.
Coding change: c.295C>T on transcript NM_000516.7 (MANE Select); coding-DNA position 295, C replaced by T.
Protein change: p.Leu99=; no amino-acid change (leucine 99 retained).
Molecular consequence: synonymous variant. On other transcripts: 3 prime UTR variant (2).
Genome position (GRCh38, 1-based): chr20:58,903,568, C>T. VCF-style: chr20-58903568-C-T. GRCh37 (hg19) VCF-style: chr20-57478623-C-T.
Other names: c.295C>T (NM_000516.5); c.118C>T, p.Leu40= (NM_001439291.1, NM_001309840.2, NM_001309861.2 and 1 more transcripts); c.*201C>T (NM_016592.5); c.2224C>T, p.Leu742= (NM_080425.4); c.253C>T, p.Leu85= (NM_080426.4); c.298C>T, p.Leu100= (NM_001077488.5); c.250C>T, p.Leu84= (NM_001077489.4); c.*156C>T (NM_001077490.3); and 3 more.
Identifiers: ClinVar variation 4945476 (VCV004945476.2).
Genomic context (GRCh38, chr20:58,903,568, plus strand): 5'-TTTTCTTTTCAATCCCACTGCAGTGAGAAGGCAACCAAAGTGCAGGACATCAAAAACAAC[C>T]TGAAAGAGGCGATTGAAGTACGTGCTGGCTCCTTGTGCTGTCTGTCTTGTAGCGCCCTCC-3'
Protein context (NP_000507.1, residues 89-109): ATKVQDIKNN[Leu99=]KEAIETIVAA